The following is an entry in ClinVar:

NM_000520.6(HEXA):c.277A>G (p.Asn93Asp)

Gene: HEXA (hexosaminidase subunit alpha; minus strand). Cytogenetic location: 15q23.
Variant type: single nucleotide variant.
Coding change: c.277A>G on transcript NM_000520.6 (MANE Select); coding-DNA position 277, A replaced by G.
Protein change: p.Asn93Asp; replaces asparagine 93 with aspartic acid.
Molecular consequence: missense variant. On other transcripts: non-coding transcript variant (1).
Genome position (GRCh38, 1-based): chr15:72,356,594, T>C on the plus strand (A>G on the coding strand, the complement: HEXA is on the minus strand). VCF-style: chr15-72356594-T-C. GRCh37 (hg19) VCF-style: chr15-72648935-T-C.
Other names: c.310A>G, p.Asn104Asp (NM_001318825.2); short protein forms N104D, N93D.
Identifiers: ClinVar variation 1478464 (VCV001478464.5), dbSNP rs2140329070, ClinGen allele CA393067545.

ClinVar aggregate classification (germline): Uncertain significance (1 of 4 stars; one submission).

Conditions:
Tay-Sachs disease (TSD). Also called: HEXA DEFICIENCY; GM2 gangliosidosis, type 1; Hexosaminidase alpha-subunit deficiency (variant B); Sphingolipidosis, Tay-Sachs; Hexosaminidase A Deficiency; HEXA Disorders. Identifiers: Orphanet 845, MedGen C0039373, MONDO:0010100, OMIM 272800.

Submission:

Labcorp Genetics (formerly Invitae), Labcorp
Classification: Uncertain significance for Tay-Sachs disease. Last evaluated: 2021-09-24. Review status: criteria provided, single submitter. Criteria: Invitae Variant Classification Sherloc (09022015). Collection method: clinical testing. Allele origin: germline.
Comment: This sequence change replaces asparagine with aspartic acid at codon 93 of the HEXA protein (p.Asn93Asp). The asparagine residue is moderately conserved and there is a small physicochemical difference between asparagine and aspartic acid. This variant is not present in population databases (ExAC no frequency). This variant has not been reported in the literature in individuals with HEXA-related conditions. Algorithms developed to predict the effect of missense changes on protein structure and function output the following: SIFT: "Tolerated"; PolyPhen-2: "Benign"; Align-GVGD: "Class C0". The aspartic acid amino acid residue is found in multiple mammalian species, suggesting that this missense change does not adversely affect protein function. These predictions have not been confirmed by published functional studies and their clinical significance is uncertain. In summary, the available evidence is currently insufficient to determine the role of this variant in disease. Therefore, it has been classified as a Variant of Uncertain Significance.